The following is an entry in ClinVar:

NM_014845.6(FIG4):c.421C>T (p.Arg141Trp)

Gene: FIG4 (FIG4 phosphoinositide 5-phosphatase; plus strand). Cytogenetic location: 6q21.
Variant type: single nucleotide variant.
Coding change: c.421C>T on transcript NM_014845.6 (MANE Select); coding-DNA position 421, C replaced by T.
Protein change: p.Arg141Trp; replaces arginine 141 with tryptophan.
Molecular consequence: missense variant.
Genome position (GRCh38, 1-based): chr6:109,727,240, C>T. VCF-style: chr6-109727240-C-T. GRCh37 (hg19) VCF-style: chr6-110048443-C-T.
Other names: short protein forms R141W.
Identifiers: ClinVar variation 1343317 (VCV001343317.6), dbSNP rs750102036, ClinGen allele CA3955762.

ClinVar aggregate classification (germline): Uncertain significance. Review status: criteria provided, multiple submitters, no conflicts (2 of 4 stars). 3 submissions from 3 submitters: Uncertain significance (3). Last evaluated 2022-09-13.

Conditions:
Amyotrophic lateral sclerosis (ALS). Also called: Charcot disease; Lou Gehrig disease. Identifiers: Orphanet 803, MedGen C0002736, MONDO:0004976, HP:0007354.
Inborn genetic diseases. Identifiers: MedGen C0950123, MeSH D030342.
Charcot-Marie-Tooth disease type 4. Also called: Charcot-Marie-Tooth disease, type IV; Charcot-Marie-Tooth, Type 4. Identifiers: Orphanet 64749, MedGen C4082197, MONDO:0018995.

Allele frequency attached by ClinVar (database versions not stated): gnomAD 0.00003; ExAC 0.00004; gnomAD exomes 0.00004.

Submissions (3):

Labcorp Genetics (formerly Invitae), Labcorp
Classification: Uncertain significance for Charcot-Marie-Tooth disease type 4. Last evaluated: 2022-09-13. Review status: criteria provided, single submitter. Criteria: Invitae Variant Classification Sherloc (09022015). Collection method: clinical testing. Allele origin: germline.
Comment: This sequence change replaces arginine, which is basic and polar, with tryptophan, which is neutral and slightly polar, at codon 141 of the FIG4 protein (p.Arg141Trp). This variant is present in population databases (rs750102036, gnomAD 0.007%). This variant has not been reported in the literature in individuals affected with FIG4-related conditions. ClinVar contains an entry for this variant (Variation ID: 1343317). Algorithms developed to predict the effect of missense changes on protein structure and function are either unavailable or do not agree on the potential impact of this missense change (SIFT: "Deleterious"; PolyPhen-2: "Probably Damaging"; Align-GVGD: "Class C0"). Algorithms developed to predict the effect of sequence changes on RNA splicing suggest that this variant may disrupt the consensus splice site. In summary, the available evidence is currently insufficient to determine the role of this variant in disease. Therefore, it has been classified as a Variant of Uncertain Significance.

Ambry Genetics
Classification: Uncertain significance for Inborn genetic diseases. Last evaluated: 2022-02-28. Review status: criteria provided, single submitter. Criteria: Ambry Variant Classification Scheme 2023. Collection method: clinical testing. Allele origin: germline.
Comment: The p.R141W variant (also known as c.421C>T), located in coding exon 4 of the FIG4 gene, results from a C to T substitution at nucleotide position 421. The arginine at codon 141 is replaced by tryptophan, an amino acid with dissimilar properties. This amino acid position is conserved. In addition, the in silico prediction for this alteration is inconclusive. Since supporting evidence is limited at this time, the clinical significance of this alteration remains unclear.

Dept. of Medical Genetics, Telemark Hospital Trust, Telemark Hospital Trust
Classification: Uncertain significance for Amyotrophic Lateral Sclerosis. Last evaluated: 2022-01-01. Review status: criteria provided, single submitter. Criteria: ACMG Guidelines, 2015. Collection method: research. Allele origin: germline. Affected: yes.